The following is an entry in ClinVar:

NM_002911.4(UPF1):c.2381C>T (p.Thr794Met)

Gene: UPF1 (UPF1 RNA helicase and ATPase; plus strand). Cytogenetic location: 19p13.11.
Variant type: single nucleotide variant.
Coding change: c.2381C>T on transcript NM_002911.4 (MANE Select); coding-DNA position 2381, C replaced by T.
Protein change: p.Thr794Met; replaces threonine 794 with methionine.
Molecular consequence: missense variant.
Genome position (GRCh38, 1-based): chr19:18,860,906, C>T. VCF-style: chr19-18860906-C-T. GRCh37 (hg19) VCF-style: chr19-18971715-C-T.
Other names: c.2414C>T, p.Thr805Met (NM_001297549.2); short protein forms T794M, T805M.
Identifiers: ClinVar variation 1804237 (VCV001804237.1), dbSNP rs2512932628, ClinGen allele CA404892471.

ClinVar aggregate classification (germline): Uncertain significance (1 of 4 stars; one submission).

Allele frequency attached by ClinVar (database versions not stated): gnomAD exomes below 0.00001.
gnomAD v4.1: 2 of 1,604,954 alleles (0.00012%); highest among the groups gnomAD compares: South Asian, 0.0011%; no homozygotes.

Submission:

GeneDx
Classification: Uncertain significance. Last evaluated: 2022-06-21. Review status: criteria provided, single submitter. Criteria: GeneDx Variant Classification Process June 2021. Collection method: clinical testing. Allele origin: germline. Affected: yes.
Comment: Not observed at significant frequency in large population cohorts (gnomAD); In silico analysis supports that this missense variant has a deleterious effect on protein structure/function; Has not been previously published as pathogenic or benign to our knowledge